The following is an entry in ClinVar:

NM_006494.4(ERF):c.266A>G (p.Tyr89Cys)

Gene: ERF (ETS2 repressor factor; minus strand). Cytogenetic location: 19q13.2.
Variant type: single nucleotide variant.
Coding change: c.266A>G on transcript NM_006494.4 (MANE Select); coding-DNA position 266, A replaced by G.
Protein change: p.Tyr89Cys; replaces tyrosine 89 with cysteine.
Molecular consequence: missense variant.
Genome position (GRCh38, 1-based): chr19:42,249,934, T>C on the plus strand (A>G on the coding strand, the complement: ERF is on the minus strand). VCF-style: chr19-42249934-T-C. GRCh37 (hg19) VCF-style: chr19-42754086-T-C.
Other names: c.41A>G, p.Tyr14Cys (NM_001301035.2, NM_001308402.2, NM_001312656.2); c.266A>G (NM_006494.3); short protein forms Y89C, Y14C.
Identifiers: ClinVar variation 267443 (VCV000267443.15), dbSNP rs886041001, ClinGen allele CA10602507.

ClinVar aggregate classification (germline): Pathogenic. Review status: criteria provided, multiple submitters, no conflicts (2 of 4 stars). 9 submissions from 9 submitters: Pathogenic (8). 1 of the submissions does not count toward it. Last evaluated 2024-11-07.

Conditions:
ERF-related disorder. Also called: ERF-related condition; ERF-related disorders.
Chitayat syndrome (CHYTS). Identifiers: MedGen C4310679, MONDO:0014956, OMIM 617180.
Inborn genetic diseases. Identifiers: MedGen C0950123, MeSH D030342.

Submissions (9):

Blueprint Genetics
Classification: Pathogenic for ERF-related disorders. Last evaluated: 2024-11-07. Review status: criteria provided, single submitter. Criteria: ACMG Guidelines, 2015. Collection method: clinical testing. Allele origin: de novo. Affected: yes. Observed: 4 variant alleles.

Victorian Clinical Genetics Services, Murdoch Childrens Research Institute
Classification: Pathogenic for Chitayat syndrome. Last evaluated: 2024-10-10. Review status: criteria provided, single submitter. Criteria: ACMG Guidelines, 2015. Collection method: clinical testing. Allele origin: germline. Inheritance: Autosomal dominant inheritance. Affected: yes.
Comment: Based on the classification scheme VCGS_Germline_v1.3.5, this variant is classified as Pathogenic. Following criteria are met: 0102 - Loss of function is a known mechanism of disease in this gene and is associated with craniosynostosis 4 (MIM#600775). A single recurring missense variant has been reported to cause Chitayat syndrome (MIM#617180), where the mechanism is unclear (PMID: 27738187). (I) 0107 - This gene is associated with autosomal dominant disease. (I) 0112 - The condition associated with this gene has incomplete penetrance in some families with craniosynostosis (PMID: 30758909). (I) 0115 - Variants in this gene are known to have variable expressivity, with intrafamilial variability reported for craniosynostosis (PMID: 35852485). (I) 0200 - Variant is predicted to result in a missense amino acid change from tyrosine to cysteine. (I) 0251 - This variant is heterozygous. (I) 0301 - Variant is absent from gnomAD (v2, v3 and v4). (SP) 0501 - Missense variant consistently predicted to be damaging by multiple in silico tools or highly conserved with a major amino acid change. (SP) 0600 - Variant is located in the annotated Ets domain (DECIPHER]. (I) 0801 - This variant has strong previous evidence of pathogenicity in unrelated individuals. This variant has been classified as pathogenic by multiple clinical laboratories in ClinVar and has been observed as de novo or inherited from an affected parent in the literature in individuals with Chitayat syndrome (PMID: 27738187). (I) Legend: (SP) - Supporting pathogenic, (I) - Information, (SB) - Supporting benign

Baylor Genetics
Classification: Pathogenic for Chitayat syndrome. Last evaluated: 2024-03-06. Review status: criteria provided, single submitter. Criteria: ACMG Guidelines, 2015. Collection method: clinical testing. Allele origin: unknown.

GeneDx
Classification: Pathogenic. Last evaluated: 2022-07-06. Review status: criteria provided, single submitter. Criteria: GeneDx Variant Classification Process June 2021. Collection method: clinical testing. Allele origin: germline. Affected: yes.
Comment: Not observed in large population cohorts (gnomAD); In silico analysis, which includes protein predictors and evolutionary conservation, supports a deleterious effect; This variant is associated with the following publications: (PMID: 30569521, 27738187, 30728880, 30758909, 32592542, 34426522, 31785789)

3billion
Classification: Pathogenic for Chitayat syndrome. Last evaluated: 2022-03-22. Review status: criteria provided, single submitter. Criteria: ACMG Guidelines, 2015. Collection method: clinical testing. Allele origin: germline. Affected: yes. Observed: 1 heterozygote.
Comment: Same or different nucleotide change resulting in same amino acid change has been previously reported as pathogenic/likely pathogenic with strong evidence (ClinVar ID: VCV000267443). The variant has been observed in multiple (>3) similarly affected unrelated individuals (PMID: 30569521, 27738187). In silico tool predictions suggest damaging effect of the variant on gene or gene product (REVEL: 0.764>=0.6, 3CNET: 0.97>=0.75). It is not observed in the gnomAD v2.1.1 dataset. Therefore, this variant is classified as pathogenic according to the recommendation of ACMG/AMP guideline.

Ambry Genetics
Classification: Pathogenic for Inborn genetic diseases. Last evaluated: 2021-12-17. Review status: criteria provided, single submitter. Criteria: Ambry Variant Classification Scheme 2023. Collection method: clinical testing. Allele origin: germline.
Comment: The c.266A>G (p.Y89C) alteration is located in exon 3 (coding exon 3) of the ERF gene. This alteration results from a A to G substitution at nucleotide position 266, causing the tyrosine (Y) at amino acid position 89 to be replaced by a cysteine (C). This variant was not reported in population-based cohorts in the Genome Aggregation Database (gnomAD). This alteration is a recurrent alteration reported in multiple unrelated individuals with Chitayat syndrome. This alteration occurred de novo in at least three separate patients and was inherited from an affected parent in two families (Balasubramanian, 2016; Caro-Contreras, 2019; Shin, 2019; Suter, 2020; Ambry internal data). This amino acid position is highly conserved in available vertebrate species. The in silico prediction for this alteration is inconclusive. Based on the available evidence, this alteration is classified as pathogenic.

Institute of Medical Genetics and Applied Genomics, University Hospital Tübingen
Classification: Pathogenic. Last evaluated: 2020-10-23. Review status: criteria provided, single submitter. Criteria: ACMG Guidelines, 2015. Collection method: clinical testing. Allele origin: germline. Inheritance: Autosomal dominant inheritance. Affected: yes.

Molecular Genetics Lab, CHRU Brest
Classification: Pathogenic for Chitayat syndrome. Review status: criteria provided, single submitter. Criteria: ACMG Guidelines, 2015. Collection method: clinical testing. Allele origin: maternal. Affected: yes.

OMIM
Classification: Pathogenic for CHITAYAT SYNDROME. Last evaluated: 2017-02-21. Review status: no assertion criteria provided. Collection method: literature only. Allele origin: germline. Not counted in ClinVar's aggregate classification.

Literature cited by the submitters: PubMed 27738187 (cited by 4 submitters); PubMed 30758909 (cited by Victorian Clinical Genetics Services, Murdoch Childrens Research Institute); PubMed 35852485 (cited by Victorian Clinical Genetics Services, Murdoch Childrens Research Institute); PubMed 30569521 (cited by 3billion and Ambry Genetics); PubMed 30728880 (cited by Ambry Genetics); PubMed 32592542 (cited by Ambry Genetics); PubMed 8418638 (cited by OMIM).